The following is an entry in ClinVar:

ClinVar aggregate classification (germline): Pathogenic (1 of 4 stars; one submission).

Conditions:
Duchenne muscular dystrophy (DMD). Also called: Duchenne Muscular Dystrophy (DMD); MUSCULAR DYSTROPHY, PSEUDOHYPERTROPHIC PROGRESSIVE, DUCHENNE TYPE. Identifiers: Orphanet 98896, MedGen C0013264, MONDO:0010679, OMIM 310200.

Submission:

Labcorp Genetics (formerly Invitae), Labcorp
Classification: Pathogenic for Duchenne muscular dystrophy. Last evaluated: 2022-11-19. Review status: criteria provided, single submitter. Criteria: Invitae Variant Classification Sherloc (09022015). Collection method: clinical testing. Allele origin: germline.
Comment: For these reasons, this variant has been classified as Pathogenic. The region of the DMD gene that includes exon(s) 60 has been determined to be clinically significant (PMID: 15723292, 16834926, 24236769). Therefore, deletions that encompass that region are likely to be disease-causing. A similar copy number variant has been observed in individual(s) with Duchenne muscular dystrophy (PMID: 26081009). This variant is a gross deletion of the genomic region encompassing exon(s) 56-60 of the DMD gene. This variant would be expected to be in-frame, preserving the integrity of the reading frame.

Literature cited by the submitters: PubMed 15723292; PubMed 16834926; PubMed 24236769; PubMed 26081009.

NC_000023.10:g.(?_31462578)_(31525590_?)del

Gene: DMD (dystrophin; minus strand). Cytogenetic location: Xp21.2-21.1.
Variant type: Deletion.
Identifiers: ClinVar variation 1458856 (VCV001458856.4).